The following is an entry in ClinVar:

NM_001103.4(ACTN2):c.1296G>T (p.Ala432=)

Gene: ACTN2 (actinin alpha 2; plus strand). Cytogenetic location: 1q43.
Variant type: single nucleotide variant.
Coding change: c.1296G>T on transcript NM_001103.4 (MANE Select); coding-DNA position 1296, G replaced by T.
Protein change: p.Ala432=; no amino-acid change (alanine 432 retained).
Molecular consequence: synonymous variant. On other transcripts: non-coding transcript variant (1).
Genome position (GRCh38, 1-based): chr1:236,744,666, G>T. VCF-style: chr1-236744666-G-T. GRCh37 (hg19) VCF-style: chr1-236907966-G-T.
Other names: c.1296G>T, p.Ala432= (NM_001278343.2).
Identifiers: ClinVar variation 3771519 (VCV003771519.13).

ClinVar aggregate classification (germline): Likely benign (1 of 4 stars; one submission).

gnomAD v4.1: 1 of 1,614,200 alleles (0.000062%); no homozygotes.

Submission:

CeGaT Center for Human Genetics Tuebingen
Classification: Likely benign. Last evaluated: 2025-02-01. Review status: criteria provided, single submitter. Criteria: CeGaT Center For Human Genetics Tuebingen Variant Classification Criteria Version 2. Collection method: clinical testing. Allele origin: germline. Affected: yes. Observed: 1 variant allele.
Comment: ACTN2: BP4, BP7